The following is an entry in ClinVar:

ClinVar aggregate classification (germline): Uncertain significance (1 of 4 stars; one submission).

Conditions:
Neuronopathy, distal hereditary motor, autosomal recessive 4. Also called: NEUROPATHY, DISTAL HEREDITARY MOTOR, AUTOSOMAL RECESSIVE 4; Autosomal recessive lower motor neuron disease with childhood onset. Identifiers: Orphanet 206580, MedGen C1970211, MONDO:0012608, OMIM 611067.
Charcot-Marie-Tooth disease recessive intermediate C. Also called: CHARCOT-MARIE-TOOTH NEUROPATHY, RECESSIVE INTERMEDIATE C. Identifiers: Orphanet 369867, MedGen C3809309, MONDO:0014154, OMIM 615376.

Submission:

Labcorp Genetics (formerly Invitae), Labcorp
Classification: Uncertain significance for Neuronopathy, distal hereditary motor, autosomal recessive 4; Charcot-Marie-Tooth disease recessive intermediate C. Last evaluated: 2019-06-03. Review status: criteria provided, single submitter. Criteria: Invitae Variant Classification Sherloc (09022015). Collection method: clinical testing. Allele origin: germline.
Comment: Algorithms developed to predict the effect of missense changes on protein structure and function are either unavailable or do not agree on the potential impact of this missense change (SIFT: "Deleterious"; PolyPhen-2: "Benign"; Align-GVGD: "Class C0"). In summary, the available evidence is currently insufficient to determine the role of this variant in disease. Therefore, it has been classified as a Variant of Uncertain Significance. This variant has not been reported in the literature in individuals with PLEKHG5-related conditions. This variant is not present in population databases (ExAC no frequency). This sequence change replaces histidine with tyrosine at codon 656 of the PLEKHG5 protein (p.His656Tyr). The histidine residue is moderately conserved and there is a moderate physicochemical difference between histidine and tyrosine.

NM_020631.6(PLEKHG5):c.1966C>T (p.His656Tyr)

Gene: PLEKHG5 (pleckstrin homology and RhoGEF domain containing G5; minus strand). Cytogenetic location: 1p36.31.
Variant type: single nucleotide variant.
Coding change: c.1966C>T on transcript NM_020631.6 (MANE Select); coding-DNA position 1966, C replaced by T.
Protein change: p.His656Tyr; replaces histidine 656 with tyrosine.
Molecular consequence: missense variant.
Genome position (GRCh38, 1-based): chr1:6,469,418, G>A on the plus strand (C>T on the coding strand, the complement: PLEKHG5 is on the minus strand). VCF-style: chr1-6469418-G-A. GRCh37 (hg19) VCF-style: chr1-6529478-G-A.
Other names: c.2077C>T, p.His693Tyr (NM_001042663.3, NM_001265592.2); c.1966C>T, p.His656Tyr (NM_001042664.2, NM_001042665.2, NM_001265594.3 and 1 more transcripts); c.2173C>T, p.His725Tyr (NM_001265593.2); short protein forms H656Y, H693Y, H725Y.
Identifiers: ClinVar variation 938327 (VCV000938327.10), dbSNP rs1644500686, ClinGen allele CA338119837.